The following is an entry in ClinVar:

NM_016222.4(DDX41):c.459G>C (p.Leu153=)

Gene: DDX41 (DEAD-box helicase 41; minus strand). Cytogenetic location: 5q35.3.
Variant type: single nucleotide variant.
Coding change: c.459G>C on transcript NM_016222.4 (MANE Select); coding-DNA position 459, G replaced by C.
Protein change: p.Leu153=; no amino-acid change (leucine 153 retained).
Molecular consequence: synonymous variant.
Genome position (GRCh38, 1-based): chr5:177,515,797, C>G on the plus strand (G>C on the coding strand, the complement: DDX41 is on the minus strand). VCF-style: chr5-177515797-C-G. GRCh37 (hg19) VCF-style: chr5-176942798-C-G.
Other names: c.81G>C, p.Leu27= (NM_001321732.2, NM_001321830.2); c.459G>C (NM_016222.2).
Identifiers: ClinVar variation 2083889 (VCV002083889.6), dbSNP rs1223390612, ClinGen allele CA447748101.

ClinVar aggregate classification (germline): Uncertain significance. Review status: criteria provided, multiple submitters, no conflicts (2 of 4 stars). 2 submissions from 2 submitters: Uncertain significance (2). Last evaluated 2025-06-27.

Conditions:
Inborn genetic diseases. Identifiers: MedGen C0950123, MeSH D030342.

Allele frequency attached by ClinVar (database versions not stated): gnomAD 0.00001; gnomAD exomes 0.00001.
gnomAD v4.1: 4 of 1,614,062 alleles (0.00025%); highest among the groups gnomAD compares: Admixed American, 0.0067%; no homozygotes.

Submissions (2):

Ambry Genetics
Classification: Uncertain significance for Inborn genetic diseases. Last evaluated: 2025-06-27. Review status: criteria provided, single submitter. Criteria: Ambry Variant Classification Scheme 2023. Collection method: clinical testing. Allele origin: germline.
Comment: The c.459G>C variant (also known as p.L153L), located in coding exon 6 of the DDX41 gene, results from a G to C substitution at nucleotide position 459. This nucleotide substitution does not change the leucine at codon 153. This nucleotide position is highly conserved in available vertebrate species. In silico splice site analysis predicts that this alteration will result in the creation or strengthening of a novel splice acceptor site; however, direct evidence is insufficient at this time (Ambry internal data). Based on the available evidence, the clinical significance of this variant remains unclear.

Labcorp Genetics (formerly Invitae), Labcorp
Classification: Uncertain significance. Last evaluated: 2022-04-29. Review status: criteria provided, single submitter. Criteria: Invitae Variant Classification Sherloc (09022015). Collection method: clinical testing. Allele origin: germline.
Comment: This sequence change affects codon 153 of the DDX41 mRNA. It is a 'silent' change, meaning that it does not change the encoded amino acid sequence of the DDX41 protein. This variant is present in population databases (no rsID available, gnomAD 0.009%). This variant has not been reported in the literature in individuals affected with DDX41-related conditions. Algorithms developed to predict the effect of sequence changes on RNA splicing suggest that this variant may create or strengthen a splice site. In summary, the available evidence is currently insufficient to determine the role of this variant in disease. Therefore, it has been classified as a Variant of Uncertain Significance.